The following is an entry in ClinVar:

NM_000321.3(RB1):c.1016A>G (p.His339Arg)

Gene: RB1 (RB transcriptional corepressor 1; plus strand). Cytogenetic location: 13q14.2.
Variant type: single nucleotide variant.
Coding change: c.1016A>G on transcript NM_000321.3 (MANE Select); coding-DNA position 1016, A replaced by G.
Protein change: p.His339Arg; replaces histidine 339 with arginine.
Molecular consequence: missense variant.
Genome position (GRCh38, 1-based): chr13:48,367,570, A>G. VCF-style: chr13-48367570-A-G. GRCh37 (hg19) VCF-style: chr13-48941706-A-G.
Other names: short protein forms H339R.
Identifiers: ClinVar variation 581603 (VCV000581603.10), dbSNP rs1566194383, ClinGen allele CA388160827.

ClinVar aggregate classification (germline): Uncertain significance. Review status: criteria provided, multiple submitters, no conflicts (2 of 4 stars). 4 submissions from 4 submitters: Uncertain significance (4). Last evaluated 2024-08-22.

Conditions:
Hereditary cancer-predisposing syndrome. Also called: Neoplastic Syndromes, Hereditary; Hereditary Cancer Syndrome; Tumor predisposition; Hereditary neoplastic syndrome. Identifiers: Orphanet 140162, MedGen C0027672, MeSH D009386, MONDO:0015356.
Retinoblastoma (RB1). Also called: RETINOBLASTOMA, SOMATIC. Identifiers: Orphanet 790, MedGen C0035335, MeSH D012175, MONDO:0008380, OMIM 180200, HP:0009919. Disease mechanism: loss of function. Inheritance: Both sporadic and heritable forms are tested..

Allele frequency attached by ClinVar (database versions not stated): TOPMed below 0.00001.

Submissions (4):

Labcorp Genetics (formerly Invitae), Labcorp
Classification: Uncertain significance for Retinoblastoma. Last evaluated: 2024-08-22. Review status: criteria provided, single submitter. Criteria: Invitae Variant Classification Sherloc (09022015). Collection method: clinical testing. Allele origin: germline.
Comment: This sequence change replaces histidine, which is basic and polar, with arginine, which is basic and polar, at codon 339 of the RB1 protein (p.His339Arg). This variant is not present in population databases (gnomAD no frequency). This variant has not been reported in the literature in individuals affected with RB1-related conditions. ClinVar contains an entry for this variant (Variation ID: 581603). Invitae Evidence Modeling of protein sequence and biophysical properties (such as structural, functional, and spatial information, amino acid conservation, physicochemical variation, residue mobility, and thermodynamic stability) indicates that this missense variant is not expected to disrupt RB1 protein function with a negative predictive value of 80%. In summary, the available evidence is currently insufficient to determine the role of this variant in disease. Therefore, it has been classified as a Variant of Uncertain Significance.

GeneDx
Classification: Uncertain significance. Last evaluated: 2024-02-07. Review status: criteria provided, single submitter. Criteria: GeneDx Variant Classification Process June 2021. Collection method: clinical testing. Allele origin: germline. Affected: yes.
Comment: Not observed at significant frequency in large population cohorts (gnomAD); In silico analysis supports that this missense variant does not alter protein structure/function; Has not been previously published as pathogenic or benign to our knowledge; This variant is associated with the following publications: (PMID: 23516486)

Ambry Genetics
Classification: Uncertain significance for Hereditary cancer-predisposing syndrome. Last evaluated: 2023-12-17. Review status: criteria provided, single submitter. Criteria: Ambry Variant Classification Scheme 2023. Collection method: clinical testing. Allele origin: germline.
Comment: The p.H339R variant (also known as c.1016A>G), located in coding exon 10 of the RB1 gene, results from an A to G substitution at nucleotide position 1016. The histidine at codon 339 is replaced by arginine, an amino acid with highly similar properties. This amino acid position is conserved. In addition, the in silico prediction for this alteration is inconclusive. Since supporting evidence is limited at this time, the clinical significance of this alteration remains unclear.

Mendelics
Classification: Uncertain significance for Retinoblastoma. Last evaluated: 2018-07-02. Review status: criteria provided, single submitter. Criteria: Mendelics Assertion Criteria 2017. Collection method: clinical testing. Allele origin: unknown.